The following is an entry in ClinVar:

ClinVar aggregate classification (germline): Uncertain significance (1 of 4 stars; one submission).

Submission:

Labcorp Genetics (formerly Invitae), Labcorp
Classification: Uncertain significance. Last evaluated: 2023-09-30. Review status: criteria provided, single submitter. Criteria: Invitae Variant Classification Sherloc (09022015). Collection method: clinical testing. Allele origin: germline.
Comment: This sequence change replaces alanine, which is neutral and non-polar, with threonine, which is neutral and polar, at codon 26 of the FN1 protein (p.Ala26Thr). This variant is not present in population databases (gnomAD no frequency). This variant has not been reported in the literature in individuals affected with FN1-related conditions. Advanced modeling of protein sequence and biophysical properties (such as structural, functional, and spatial information, amino acid conservation, physicochemical variation, residue mobility, and thermodynamic stability) performed at Invitae indicates that this missense variant is not expected to disrupt FN1 protein function. In summary, the available evidence is currently insufficient to determine the role of this variant in disease. Therefore, it has been classified as a Variant of Uncertain Significance.

NM_212482.4(FN1):c.76G>A (p.Ala26Thr)

Genes: FN1-DT (FN1 divergent transcript; plus strand), FN1 (fibronectin 1; minus strand). Cytogenetic location: 2q35.
Variant type: single nucleotide variant.
Coding change: c.76G>A on transcript NM_212482.4 (MANE Select); coding-DNA position 76, G replaced by A.
Protein change: p.Ala26Thr; replaces alanine 26 with threonine.
Molecular consequence: missense variant. On other transcripts: non-coding transcript variant (1).
Genome position (GRCh38, 1-based): chr2:215,435,727, C>T on the plus strand (G>A on the coding strand, the complement: FN1 is on the minus strand). VCF-style: chr2-215435727-C-T. GRCh37 (hg19) VCF-style: chr2-216300450-C-T.
Other names: c.76G>A, p.Ala26Thr (NM_001306129.2, NM_001306130.2, NM_001306131.2 and 14 more transcripts); short protein forms A26T.
Identifiers: ClinVar variation 2880185 (VCV002880185.3), dbSNP rs2470619931, ClinGen allele CA350480892.